The following is an entry in ClinVar:

ClinVar aggregate classification (germline): Uncertain significance (1 of 4 stars; one submission).

Conditions:
Complement component 4b deficiency. Identifiers: MedGen C5779962, MONDO:0013720, OMIM 614379.

Submission:

3billion
Classification: Uncertain significance for Complement component 4b deficiency. Last evaluated: 2025-06-30. Review status: criteria provided, single submitter. Criteria: ACMG Guidelines, 2015. Collection method: clinical testing. Allele origin: germline. Affected: yes.
Comment: The variant is not observed in the gnomAD v4.1.0 dataset. Predicted Consequence/Location: Intron variant In silico tools predict the variant to alter splicing and produce an abnormal transcript [SpliceAI: 0.59 (>=0.2, moderate evidence for spliceogenicity)]. Therefore, this variant is classified as VUS according to the recommendation of ACMG/AMP guideline.

NM_001002029.4(C4B):c.3504+32G>A

Gene: C4B (complement C4B (Chido/Rodgers blood group); plus strand). Cytogenetic location: 6p21.33.
Variant type: single nucleotide variant.
Coding change: c.3504+32G>A on transcript NM_001002029.4 (MANE Select); 32 bases into the intron after coding-DNA position 3504, G replaced by A.
Molecular consequence: intron variant.
Genome position (GRCh38, 1-based): chr6:32,029,093, G>A. VCF-style: chr6-32029093-G-A. GRCh37 (hg19) VCF-style: chr6-31996870-G-A.
Identifiers: ClinVar variation 4855612 (VCV004855612.1).
Genomic context (GRCh38, chr6:32,029,093, plus strand): 5'-AGGGTGCAGAGCCATTGAAGCAGAGAGTGGTAAGTTCAGTGGCGTTTCTGCCCTCTGCTG[G>A]CCCCCAGCTCTCTCCCTTTTTCCTCAGGAACCCAGGGGTCCAGGCCCAAGACCCTCCTCC-3'